The following is an entry in ClinVar:

NM_015122.3(FCHO1):c.2480G>A (p.Gly827Asp)

Gene: FCHO1 (FCH and mu domain containing endocytic adaptor 1; plus strand). Cytogenetic location: 19p13.11.
Variant type: single nucleotide variant.
Coding change: c.2480G>A on transcript NM_015122.3 (MANE Select); coding-DNA position 2480, G replaced by A.
Protein change: p.Gly827Asp; replaces glycine 827 with aspartic acid.
Molecular consequence: missense variant. On other transcripts: synonymous variant (3), non-coding transcript variant (36).
Genome position (GRCh38, 1-based): chr19:17,786,627, G>A. VCF-style: chr19-17786627-G-A. GRCh37 (hg19) VCF-style: chr19-17897436-G-A.
Other names: c.2480G>A, p.Gly827Asp (NM_001161357.2, NM_001161358.2, NM_001384370.1 and 11 more transcripts); c.2330G>A, p.Gly777Asp (NM_001161359.2, NM_001384384.1, NM_001384385.1 and 1 more transcripts); c.2459G>A, p.Gly820Asp (NM_001384387.1); c.2441G>A, p.Gly814Asp (NM_001384388.1, NM_001384389.1); c.2405G>A, p.Gly802Asp (NM_001384390.1); c.2280G>A, p.Arg760= (NM_001384391.1); c.2363G>A, p.Gly788Asp (NM_001384392.1, NM_001384393.1, NM_001384394.1 and 1 more transcripts); c.2204G>A, p.Gly735Asp (NM_001384396.1, NM_001384397.1, NM_001384398.1 and 4 more transcripts); and 5 more; short protein forms G820D, G526D, G720D, G802D, G814D, G735D, G703D, G777D.
Identifiers: ClinVar variation 1518245 (VCV001518245.7), dbSNP rs767985878, ClinGen allele CA9300893.
Genomic context (GRCh38, chr19:17,786,627, plus strand): 5'-CTGCCAGGAACCTGGAGGAGAAGCGGCTCACTTGGAGGCTTCCAGATGTGTCCGAGGCAG[G>A]CGGTGAGCTGTGGTTGTGTATGAGGGCTGGGTGGGAGGGACTGGGGTCAGGTGGGAGGCA-3'
Protein context (NP_055937.1, residues 817-837): TWRLPDVSEA[Gly827Asp]GSGRLSASWE

ClinVar aggregate classification (germline): Uncertain significance (1 of 4 stars; one submission).

Allele frequency attached by ClinVar (database versions not stated): gnomAD exomes below 0.00001 and 0.00001; TOPMed below 0.00001; ExAC 0.00001.
gnomAD v4.1: 5 of 1,612,074 alleles (0.00031%); highest among the groups gnomAD compares: Admixed American, 0.005%; no homozygotes.

Submission:

Labcorp Genetics (formerly Invitae), Labcorp
Classification: Uncertain significance. Last evaluated: 2022-08-16. Review status: criteria provided, single submitter. Criteria: Invitae Variant Classification Sherloc (09022015). Collection method: clinical testing. Allele origin: germline.
Comment: This variant has not been reported in the literature in individuals affected with FCHO1-related conditions. This variant is present in population databases (rs767985878, gnomAD 0.01%). This sequence change replaces glycine, which is neutral and non-polar, with aspartic acid, which is acidic and polar, at codon 827 of the FCHO1 protein (p.Gly827Asp). ClinVar contains an entry for this variant (Variation ID: 1518245). In summary, the available evidence is currently insufficient to determine the role of this variant in disease. Therefore, it has been classified as a Variant of Uncertain Significance. Algorithms developed to predict the effect of missense changes on protein structure and function are either unavailable or do not agree on the potential impact of this missense change (SIFT: "Deleterious"; PolyPhen-2: "Possibly Damaging"; Align-GVGD: "Class C0").